The following is an entry in ClinVar:

NM_000350.3(ABCA4):c.4924_4927del (p.Ser1642fs)

Genes: ABCA4 (ATP binding cassette subfamily A member 4; minus strand), LOC126805793 (CDK7 strongly-dependent group 2 enhancer GRCh37_chr1:94486302-94487501; plus strand). Cytogenetic location: 1p22.1.
Variant type: Deletion.
Coding change: c.4924_4927del on transcript NM_000350.3 (MANE Select); coding-DNA positions 4924 to 4927, 4 bases deleted (AGCC; older notation c.4924_4927delAGCC).
Protein change: p.Ser1642fs; shifts the reading frame from serine 1642.
Molecular consequence: frameshift variant.
Genome position (GRCh38, 1-based): chr1:94,021,331-94,021,334, GGCT deleted on the plus strand (AGCC on the coding strand, the reverse complement: ABCA4 is on the minus strand); deleting any 4 consecutive bases within chr1:94,021,331-94,021,337 gives the same sequence; the c. name uses the placement nearest the transcript's 3' end. VCF-style (leftmost placement, unchanged base first): chr1-94021330-AGGCT-A. GRCh37 (hg19) VCF-style: chr1-94486886-AGGCT-A.
Other names: NC_000001.10:g.94486890_94486893del; NP_000341.2:p.(Ser1642CysfsTer19); NM_000350.3(ABCA4):c.4924_4927del; p.Ser1642fs; c.4702_4705del, p.Ser1568fs (NM_001425324.1); c.4924_4927del (NM_000350.2); short protein forms S1568fs, S1642fs.
Identifiers: ClinVar variation 3381789 (VCV003381789.6).

ClinVar aggregate classification (germline): Pathogenic. Review status: reviewed by expert panel (3 of 4 stars). 5 submissions from 5 submitters: Pathogenic (1). 4 of the submissions do not count toward it. Last evaluated 2025-12-05.

Conditions:
ABCA4-related retinopathy. Also called: ABCA4 retinoapthy; ABCA4-related retinoapthy. Identifiers: MedGen CN322612, MONDO:0800406.
Retinal dystrophy. Also called: Inherited retinal dystrophy. Identifiers: Orphanet 71862, MedGen C0854723, MeSH D058499, MONDO:0019118, HP:0000556.

Submissions (5):

ClinGen ABCA4 Variant Curation Expert Panel, Clingen
Classification: Pathogenic for ABCA4-related retinopathy. Last evaluated: 2025-12-05. Review status: reviewed by expert panel. Criteria: ClinGen ABCA4 ACMG Specifications V1.0.0. Collection method: curation. Allele origin: germline. Inheritance: Autosomal recessive inheritance.
Comment: The NM_000350.3:c.4924_4927del (p.Ser1642fs) variant in ABCA4 is a frameshift variant predicted to cause a premature stop codon in biologically relevant exon 35/50 leading to nonsense mediated decay in a gene in which loss-of-function is an established disease mechanism (PVS1). The total minor allele frequency in gnomAD v4.1.0 is 0.000001239 (2/1614206 alleles), which is lower than the ClinGen ABCA4 VCEP’s threshold for PM2_Supporting (<0.0001). The prevalence of the variant in affected individuals is not significantly increased compared with the prevalence in controls with an OR of infinity and the CI is 0.31-infinity, which is above the ABCA4 VCEP threshold of ≥5, but the CI does contain 1 (PMID: 35120629). This variant has been detected in at least 1 individual with ABCA4-related retinopathy who was homozygous for the variant (PM3_Supporting; ClinVar SCV: SCV005415477.1). The variant has been reported to segregate with ABCA4-related retinopathy in the proband and 2 similarly affected relatives (PP1_Moderate; ClinVar SCV: SCV005415477.1). In summary, this variant meets the criteria to be classified as pathogenic for ABCA4-related retinopathy based on the ACMG/AMP criteria applied, as specified by the ClinGen ABCA4 VCEP (Specification Version 1.0): PVS1, PM3_Supporting, PM2_Supporting, PP1_Moderate.

GeneDx
Classification: Likely pathogenic. Last evaluated: 2026-03-02. Review status: criteria provided, single submitter. Criteria: GeneDx Variant Classification Process June 2021. Collection method: clinical testing. Allele origin: germline. Not counted in ClinVar's aggregate classification.
Comment: Reported in a patient with ABCA4-related disease; however, clinical information was not provided (PMID: 35120629); Frameshift variant predicted to result in protein truncation or nonsense mediated decay in a gene for which loss of function is a known mechanism of disease; This variant is associated with the following publications: (PMID: 31964843, 35120629)

Revvity Omics, Revvity
Classification: Likely pathogenic. Last evaluated: 2025-05-13. Review status: criteria provided, single submitter. Criteria: ACMG Guidelines, 2015. Collection method: clinical testing. Allele origin: germline. Not counted in ClinVar's aggregate classification.

Labcorp Genetics (formerly Invitae), Labcorp
Classification: Pathogenic. Last evaluated: 2024-09-23. Review status: criteria provided, single submitter. Criteria: Invitae Variant Classification Sherloc (09022015). Collection method: clinical testing. Allele origin: germline. Not counted in ClinVar's aggregate classification.
Comment: This sequence change creates a premature translational stop signal (p.Ser1642Cysfs*19) in the ABCA4 gene. It is expected to result in an absent or disrupted protein product. Loss-of-function variants in ABCA4 are known to be pathogenic (PMID: 10958761, 24938718, 25312043, 26780318). This variant is present in population databases (rs760706416, gnomAD 0.006%). This premature translational stop signal has been observed in individual(s) with Stargardt disease (PMID: 35120629). Algorithms developed to predict the effect of sequence changes on RNA splicing suggest that this variant may disrupt the consensus splice site. For these reasons, this variant has been classified as Pathogenic.

Ophthalmic Genetics Group, Institute of Molecular and Clinical Ophthalmology Basel
Classification: Likely pathogenic for Retinal dystrophy. Last evaluated: 2024-05-27. Review status: criteria provided, single submitter. Criteria: ACMG Guidelines, 2015. Collection method: research. Allele origin: germline. Affected: yes. Observed: 3 variant alleles. Not counted in ClinVar's aggregate classification.
Comment: This variant was classified as Likely pathogenic based on ACMG criteria: PSV1_very strong and PM2_mod

Literature cited by the submitters: PubMed 10958761 (cited by Labcorp Genetics (formerly Invitae), Labcorp); PubMed 24938718 (cited by Labcorp Genetics (formerly Invitae), Labcorp); PubMed 25312043 (cited by Labcorp Genetics (formerly Invitae), Labcorp); PubMed 26780318 (cited by Labcorp Genetics (formerly Invitae), Labcorp); PubMed 35120629 (cited by Labcorp Genetics (formerly Invitae), Labcorp); PubMed 32893963 (cited by Ophthalmic Genetics Group, Institute of Molecular and Clinical Ophthalmology Basel); PubMed 40180963 (cited by Ophthalmic Genetics Group, Institute of Molecular and Clinical Ophthalmology Basel).